The following is an entry in ClinVar:

NM_004036.5(ADCY3):c.1602C>T (p.Pro534=)

Gene: ADCY3 (adenylate cyclase 3; minus strand). Cytogenetic location: 2p23.3.
Variant type: single nucleotide variant.
Coding change: c.1602C>T on transcript NM_004036.5 (MANE Select); coding-DNA position 1602, C replaced by T.
Protein change: p.Pro534=; no amino-acid change (proline 534 retained).
Molecular consequence: synonymous variant.
Genome position (GRCh38, 1-based): chr2:24,836,977, G>A on the plus strand (C>T on the coding strand, the complement: ADCY3 is on the minus strand). VCF-style: chr2-24836977-G-A. GRCh37 (hg19) VCF-style: chr2-25059846-G-A.
Other names: c.1602C>T, p.Pro534= (NM_001320613.2, NM_001377129.1, NM_001377130.1 and 1 more transcripts); c.1668C>T, p.Pro556= (NM_001377128.1); c.879C>T, p.Pro293= (NM_001377131.1).
Identifiers: ClinVar variation 4987618 (VCV004987618.1).

ClinVar aggregate classification (germline): Likely benign (1 of 4 stars; one submission).

Conditions:
ADCY3-related disorder. Also called: ADCY3-related condition.

gnomAD v4.1: 26 of 1,614,040 alleles (0.0016%); highest among the groups gnomAD compares: African/African-American, 0.011%; 1 homozygote.

Submission:

PreventionGenetics, part of Exact Sciences
Classification: Likely benign for ADCY3-related condition. Last evaluated: 2026-09-16. Review status: criteria provided, single submitter. Criteria: ACMG Guidelines, 2015. Collection method: clinical testing. Allele origin: germline.
Comment: This variant is classified as likely benign based on ACMG/AMP sequence variant interpretation guidelines (Richards et al. 2015 PMID: 25741868, with internal and published modifications).